The following is an entry in ClinVar:

NM_017837.4(PIGV):c.1253C>A (p.Ala418Asp)

Gene: PIGV (phosphatidylinositol glycan anchor biosynthesis class V; plus strand). Cytogenetic location: 1p36.11.
Variant type: single nucleotide variant.
Coding change: c.1253C>A on transcript NM_017837.4 (MANE Select); coding-DNA position 1253, C replaced by A.
Protein change: p.Ala418Asp; replaces alanine 418 with aspartic acid.
Molecular consequence: missense variant. On other transcripts: non-coding transcript variant (2).
Genome position (GRCh38, 1-based): chr1:26,797,615, C>A. VCF-style: chr1-26797615-C-A. GRCh37 (hg19) VCF-style: chr1-27124106-C-A.
Other names: c.1253C>A, p.Ala418Asp (NM_001202554.2, NM_001374478.1, NM_001374480.1 and 2 more transcripts); c.872C>A, p.Ala291Asp (NM_001374483.1); c.626C>A, p.Ala209Asp (NM_001374484.1, NM_001374485.1); c.131C>A, p.Ala44Asp (NM_001374486.1); short protein forms A209D, A291D, A418D, A44D.
Identifiers: ClinVar variation 985880 (VCV000985880.4), dbSNP rs1271144650, ClinGen allele CA339203735.

ClinVar aggregate classification (germline): Likely pathogenic. Review status: criteria provided, multiple submitters, no conflicts (2 of 4 stars). 2 submissions from 2 submitters: Likely pathogenic (2). Last evaluated 2025-06-16.

Conditions:
Inborn genetic diseases. Identifiers: MedGen C0950123, MeSH D030342.

Allele frequency attached by ClinVar (database versions not stated): gnomAD exomes below 0.00001; TOPMed below 0.00001; gnomAD 0.00001.

Submissions (2):

Labcorp Genetics (formerly Invitae), Labcorp
Classification: Likely pathogenic. Last evaluated: 2025-06-16. Review status: criteria provided, single submitter. Criteria: Invitae Variant Classification Sherloc (09022015). Collection method: clinical testing. Allele origin: germline.
Comment: This sequence change replaces alanine, which is neutral and non-polar, with aspartic acid, which is acidic and polar, at codon 418 of the PIGV protein (p.Ala418Asp). This variant is not present in population databases (gnomAD no frequency). This missense change has been observed in individual(s) with hyperphosphatasia with intellectual disability syndrome (PMID: 28817240). In at least one individual the data is consistent with being in trans (on the opposite chromosome) from a pathogenic variant. ClinVar contains an entry for this variant (Variation ID: 985880). Invitae Evidence Modeling of protein sequence and biophysical properties (such as structural, functional, and spatial information, amino acid conservation, physicochemical variation, residue mobility, and thermodynamic stability) indicates that this missense variant is expected to disrupt PIGV protein function with a positive predictive value of 95%. In summary, the currently available evidence indicates that the variant is pathogenic, but additional data are needed to prove that conclusively. Therefore, this variant has been classified as Likely Pathogenic.

Ambry Genetics
Classification: Likely pathogenic for Inborn genetic diseases. Last evaluated: 2018-01-15. Review status: criteria provided, single submitter. Criteria: Ambry exome assertion method (8-5-2015). Collection method: clinical testing. Allele origin: germline. Affected: yes. Observed: 1 variant allele.

Literature cited by the submitters: PubMed 28817240 (cited by Labcorp Genetics (formerly Invitae), Labcorp and Ambry Genetics).